The following is an entry in ClinVar:

NM_001291867.2(NHS):c.613G>A (p.Ala205Thr)

Gene: NHS (NHS actin remodeling regulator; plus strand). Cytogenetic location: Xp22.13.
Variant type: single nucleotide variant.
Coding change: c.613G>A on transcript NM_001291867.2 (MANE Select); coding-DNA position 613, G replaced by A.
Protein change: p.Ala205Thr; replaces alanine 205 with threonine.
Molecular consequence: missense variant.
Genome position (GRCh38, 1-based): chrX:17,687,789, G>A. VCF-style: chrX-17687789-G-A. GRCh37 (hg19) VCF-style: chrX-17705909-G-A.
Other names: c.82G>A, p.Ala28Thr (NM_001136024.4, NM_001291868.2); c.613G>A, p.Ala205Thr (NM_198270.4); short protein forms A28T, A205T.
Identifiers: ClinVar variation 2138477 (VCV002138477.4), dbSNP rs866091099, ClinGen allele CA326962770.

ClinVar aggregate classification (germline): Uncertain significance (1 of 4 stars; one submission).

Conditions:
Nance-Horan syndrome (NHS). Identifiers: Orphanet 627, MedGen C0796085, MONDO:0010545, OMIM 302350.

Allele frequency attached by ClinVar (database versions not stated): gnomAD 0.00001; gnomAD exomes 0.00002; TOPMed 0.00003.

Submission:

Labcorp Genetics (formerly Invitae), Labcorp
Classification: Uncertain significance for Nance-Horan syndrome. Last evaluated: 2025-03-23. Review status: criteria provided, single submitter. Criteria: Invitae Variant Classification Sherloc (09022015). Collection method: clinical testing. Allele origin: germline.
Comment: This sequence change replaces alanine, which is neutral and non-polar, with threonine, which is neutral and polar, at codon 205 of the NHS protein (p.Ala205Thr). This variant is present in population databases (no rsID available, gnomAD 0.008%). This missense change has been observed in individual(s) with clinical features of NHS-related conditions (PMID: 26633542). ClinVar contains an entry for this variant (Variation ID: 2138477). Invitae Evidence Modeling of protein sequence and biophysical properties (such as structural, functional, and spatial information, amino acid conservation, physicochemical variation, residue mobility, and thermodynamic stability) indicates that this missense variant is not expected to disrupt NHS protein function with a negative predictive value of 80%. In summary, the available evidence is currently insufficient to determine the role of this variant in disease. Therefore, it has been classified as a Variant of Uncertain Significance.

Literature cited by the submitters: PubMed 26633542.